The following is an entry in ClinVar:

NM_015409.5(EP400):c.6782C>G (p.Ser2261Ter)

Gene: EP400 (E1A binding protein p400; plus strand). Cytogenetic location: 12q24.33.
Variant type: single nucleotide variant.
Coding change: c.6782C>G on transcript NM_015409.5 (MANE Select); coding-DNA position 6782, C replaced by G.
Protein change: p.Ser2261Ter; replaces serine 2261 with a stop codon.
Molecular consequence: nonsense.
Genome position (GRCh38, 1-based): chr12:132,044,951, C>G. VCF-style: chr12-132044951-C-G. GRCh37 (hg19) VCF-style: chr12-132529496-C-G.
Other names: short protein forms S2261*.
Identifiers: ClinVar variation 2643624 (VCV002643624.24), dbSNP rs2540983384, ClinGen allele CA387344987.

ClinVar aggregate classification (germline): Uncertain significance (1 of 4 stars; one submission).

Submission:

CeGaT Center for Human Genetics Tuebingen
Classification: Uncertain significance. Last evaluated: 2023-01-01. Review status: criteria provided, single submitter. Criteria: CeGaT Center For Human Genetics Tuebingen Variant Classification Criteria Version 2. Collection method: clinical testing. Allele origin: germline. Affected: yes. Observed: 1 variant allele.
Comment: EP400: PM2